The following is an entry in ClinVar:

ClinVar aggregate classification (germline): Pathogenic/Likely pathogenic. Review status: criteria provided, multiple submitters, no conflicts (2 of 4 stars). 4 submissions from 4 submitters: Pathogenic (1); Likely pathogenic (2). 1 of the submissions does not count toward it. Last evaluated 2024-06-07.

Conditions:
Oculocutaneous albinism type 3 (OCA3). Also called: ALBINISM III; Albinism, oculocutaneous, type III; RUFOUS OCULOCUTANEOUS ALBINISM; XANTHISM; Rufous OCA; Rufous albinism. Identifiers: Orphanet 79433, MedGen C0342683, MONDO:0008747, OMIM 203290.
MELANESIAN BLOND HAIR (SHEP11). Also called: Skin/hair/eye pigmentation, variation in, 11; SKIN/HAIR/EYE PIGMENTATION 11, BLUE/NONBLUE EYES. Identifiers: MedGen C2677086, OMIM 612271.
TYRP1-related disorder. Also called: TYRP1-related condition.

Allele frequency attached by ClinVar (database versions not stated): ExAC 0.00001.

Submissions (4):

Fulgent Genetics
Classification: Likely pathogenic for Oculocutaneous albinism type 3; MELANESIAN BLOND HAIR. Last evaluated: 2024-06-07. Review status: criteria provided, single submitter. Criteria: ACMG Guidelines, 2015. Collection method: clinical testing. Allele origin: germline.

Labcorp Genetics (formerly Invitae), Labcorp
Classification: Pathogenic. Last evaluated: 2023-11-27. Review status: criteria provided, single submitter. Criteria: Invitae Variant Classification Sherloc (09022015). Collection method: clinical testing. Allele origin: germline.
Comment: This sequence change creates a premature translational stop signal (p.Ser59*) in the TYRP1 gene. It is expected to result in an absent or disrupted protein product. Loss-of-function variants in TYRP1 are known to be pathogenic (PMID: 8651291, 9345097). This variant is present in population databases (rs779261213, gnomAD 0.002%). This variant has not been reported in the literature in individuals affected with TYRP1-related conditions. For these reasons, this variant has been classified as Pathogenic.

Blueprint Genetics
Classification: Likely pathogenic for TYRP1-related disorders. Last evaluated: 2023-09-12. Review status: criteria provided, single submitter. Criteria: ACMG Guidelines, 2015. Collection method: clinical testing. Allele origin: germline. Affected: yes. Observed: 2 variant alleles.

PreventionGenetics, part of Exact Sciences
Classification: Pathogenic for TYRP1-related condition. Last evaluated: 2024-02-22. Review status: no assertion criteria provided. Collection method: clinical testing. Allele origin: germline. Not counted in ClinVar's aggregate classification.
Comment: The TYRP1 c.176C>G variant is predicted to result in premature protein termination (p.Ser59*). This variant has been reported along with a second TYRP1 variant in an individual with albinism (Table S1 in Wei et al. 2022. PubMed ID: 34838614). This variant is reported in 0.0018% of alleles in individuals of European (Non-Finnish) descent in gnomAD. Nonsense variants in TYRP1 are expected to be pathogenic. Given the evidence, we interpret c.176C>G (p.Ser59*) as pathogenic.

Literature cited by the submitters: PubMed 8651291 (cited by Labcorp Genetics (formerly Invitae), Labcorp); PubMed 9345097 (cited by Labcorp Genetics (formerly Invitae), Labcorp).

NM_000550.3(TYRP1):c.176C>G (p.Ser59Ter)

Gene: TYRP1 (tyrosinase related protein 1; plus strand). Cytogenetic location: 9p23.
Variant type: single nucleotide variant.
Coding change: c.176C>G on transcript NM_000550.3 (MANE Select); coding-DNA position 176, C replaced by G.
Protein change: p.Ser59Ter; replaces serine 59 with a stop codon.
Molecular consequence: nonsense.
Genome position (GRCh38, 1-based): chr9:12,694,172, C>G. VCF-style: chr9-12694172-C-G. GRCh37 (hg19) VCF-style: chr9-12694172-C-G.
Other names: short protein forms S59*.
Identifiers: ClinVar variation 2633925 (VCV002633925.8), dbSNP rs779261213, ClinGen allele CA4985134.